The following is an entry in ClinVar:

ClinVar aggregate classification (germline): Likely benign. Review status: criteria provided, multiple submitters, no conflicts (2 of 4 stars). 2 submissions from 2 submitters: Likely benign (2). Last evaluated 2024-10-01.

Conditions:
Charcot-Marie-Tooth disease type 2R. Also called: CHARCOT-MARIE-TOOTH NEUROPATHY, TYPE 2R; CHARCOT-MARIE-TOOTH DISEASE, AXONAL, AUTOSOMAL RECESSIVE, TYPE 2R; Charcot-Marie-Tooth disease, axonal, type 2R. Identifiers: Orphanet 397968, MedGen C3809655, MONDO:0014208, OMIM 615490.

Allele frequency attached by ClinVar (database versions not stated): gnomAD 0.00001 and 0.00007; TOPMed 0.00002; gnomAD exomes 0.00006 and 0.00010; ESP Exome Variant Server 0.00008; ExAC 0.00011; 1000 Genomes Project 0.00040; 1000 Genomes Project 30x 0.00062.
gnomAD v4.1: 105 of 1,614,186 alleles (0.0065%); highest among the groups gnomAD compares: South Asian, 0.096%; 1 homozygote.

Submissions (2):

CeGaT Center for Human Genetics Tuebingen
Classification: Likely benign. Last evaluated: 2024-10-01. Review status: criteria provided, single submitter. Criteria: CeGaT Center For Human Genetics Tuebingen Variant Classification Criteria Version 2. Collection method: clinical testing. Allele origin: germline. Affected: yes. Observed: 1 variant allele.
Comment: TRIM2: BP4, BP7

Labcorp Genetics (formerly Invitae), Labcorp
Classification: Likely benign for Charcot-Marie-Tooth disease type 2R. Last evaluated: 2024-08-02. Review status: criteria provided, single submitter. Criteria: Invitae Variant Classification Sherloc (09022015). Collection method: clinical testing. Allele origin: germline.

NM_015271.5(TRIM2):c.291C>T (p.Pro97=)

Gene: TRIM2 (tripartite motif containing 2; plus strand). Cytogenetic location: 4q31.3.
Variant type: single nucleotide variant.
Coding change: c.291C>T on transcript NM_015271.5 (MANE Select); coding-DNA position 291, C replaced by T.
Protein change: p.Pro97=; no amino-acid change (proline 97 retained).
Molecular consequence: synonymous variant. On other transcripts: 5 prime UTR variant (4).
Genome position (GRCh38, 1-based): chr4:153,275,968, C>T. VCF-style: chr4-153275968-C-T. GRCh37 (hg19) VCF-style: chr4-154197120-C-T.
Other names: c.210C>T, p.Pro70= (NM_001130067.2, NM_001351056.2, NM_001375512.1 and 5 more transcripts); c.291C>T, p.Pro97= (NM_001302692.2, NM_001375488.1, NM_001375490.1 and 1 more transcripts); c.288C>T, p.Pro96= (NM_001302693.2, NM_001375489.1, NM_001375491.1 and 1 more transcripts); c.264C>T, p.Pro88= (NM_001302694.2, NM_001351054.2); c.261C>T, p.Pro87= (NM_001351055.2); c.-267C>T (NM_001351057.2); c.-49C>T (NM_001375522.1, NM_001375523.1, NM_001375525.1).
Identifiers: ClinVar variation 725191 (VCV000725191.22), dbSNP rs370159648, ClinGen allele CA3108500.